The following is an entry in ClinVar:

ClinVar aggregate classification (germline): Uncertain significance (1 of 4 stars; one submission).

Conditions:
Hereditary cancer-predisposing syndrome. Also called: Neoplastic Syndromes, Hereditary; Tumor predisposition; Hereditary neoplastic syndrome; Hereditary Cancer Syndrome. Identifiers: Orphanet 140162, MedGen C0027672, MeSH D009386, MONDO:0015356.

Submission:

Ambry Genetics
Classification: Uncertain significance for Hereditary cancer-predisposing syndrome. Last evaluated: 2022-12-09. Review status: criteria provided, single submitter. Criteria: Ambry Variant Classification Scheme 2023. Collection method: clinical testing. Allele origin: germline.
Comment: The c.4320_4322delATCinsGAA variant also known as (p.S1441K), located in coding exon 30 of the SMARCA4 gene, results from an in-frame deletion of ATC and insertion of GAA at nucleotide positions 4320 to 4322. This results in the substitution of the serine residue for a lysine residue at codon 1441, an amino acid with dissimilar properties. This amino acid position is not well conserved in available vertebrate species. In addition, this alteration is predicted to be neutral by in silico analysis (Choi Y et al. PLoS ONE. 2012; 7(10):e46688). Missense and in-frame variants in SMARCA4 are known to cause neurodevelopmental disorders; however, such associations with rhabdoid tumor predisposition syndrome including small cell carcinoma of the ovary-hypercalcemic type (SCCOHT) are exceedingly rare (Kosho T et al. Am J Med Genet C Semin Med Genet. 2014 Sep;166C(3):262-75; Jelinic P et al. Nat Genet. 2014 May;46(5):424-6). Based on the supporting evidence, the association of this alteration with Coffin-Siris syndrome is unknown; however, the association of this alteration with rhabdoid tumor predisposition syndrome is unlikely.

NM_003072.5(SMARCA4):c.4224_4226delinsGAA (p.Ser1409Lys)

Gene: SMARCA4 (SWI/SNF related BAF chromatin remodeling complex subunit ATPase 4; plus strand). Cytogenetic location: 19p13.2.
Variant type: Indel.
Coding change: c.4224_4226delinsGAA on transcript NM_003072.5 (MANE Select); coding-DNA positions 4224 to 4226, ATC replaced by GAA.
Protein change: p.Ser1409Lys; replaces serine 1409 with lysine.
Molecular consequence: missense variant. On other transcripts: non-coding transcript variant (1).
Genome position (GRCh38, 1-based): chr19:11,041,360-11,041,362, ATC replaced by GAA. VCF-style: chr19-11041360-ATC-GAA. GRCh37 (hg19) VCF-style: chr19-11152036-ATC-GAA.
Other names: c.4224_4226delinsGAA, p.Ser1409Lys (NM_001128844.3); c.4134_4136delinsGAA, p.Ser1379Lys (NM_001128845.2, NM_001128846.2); c.4125_4127delinsGAA, p.Ser1376Lys (NM_001128847.4, NM_001128848.2, NM_001374457.1); c.4320_4322delinsGAA, p.Ser1441Lys (NM_001128849.3, NM_001387283.1); c.4221_4223delinsGAA, p.Ser1408Lys (NM_001411150.1); short protein forms S1376K, S1408K, S1441K, S1409K, S1379K.
Identifiers: ClinVar variation 2452850 (VCV002452850.2), dbSNP rs2515487971, ClinGen allele CA2580096248.